The following is an entry in ClinVar:

ClinVar aggregate classification (germline): Uncertain significance. Review status: criteria provided, multiple submitters, no conflicts (2 of 4 stars). 3 submissions from 3 submitters: Uncertain significance (3). Last evaluated 2025-09-06.

Conditions:
SEMA3A-related disorder. Also called: SEMA3A-related condition.
Inborn genetic diseases. Identifiers: MedGen C0950123, MeSH D030342.

Submissions (3):

PreventionGenetics, part of Exact Sciences
Classification: Uncertain significance for SEMA3A-related condition. Last evaluated: 2025-09-06. Review status: criteria provided, single submitter. Criteria: ACMG Guidelines, 2015. Collection method: clinical testing. Allele origin: germline.
Comment: The SEMA3A c.1168G>C variant is predicted to result in the amino acid substitution p.Asp390His. To our knowledge, this variant has not been reported in the literature. This variant is reported in 0.0058% of alleles in individuals of Latino descent in gnomAD. At this time, the clinical significance of this variant is uncertain due to the absence of conclusive functional and genetic evidence.

Ambry Genetics
Classification: Uncertain significance for Inborn genetic diseases. Last evaluated: 2025-06-03. Review status: criteria provided, single submitter. Criteria: Ambry Variant Classification Scheme 2023. Collection method: clinical testing. Allele origin: germline.

Labcorp Genetics (formerly Invitae), Labcorp
Classification: Uncertain significance. Last evaluated: 2025-04-09. Review status: criteria provided, single submitter. Criteria: Invitae Variant Classification Sherloc (09022015). Collection method: clinical testing. Allele origin: germline.
Comment: This sequence change replaces aspartic acid, which is acidic and polar, with histidine, which is basic and polar, at codon 390 of the SEMA3A protein (p.Asp390His). This variant is present in population databases (rs760906528, gnomAD 0.006%). This variant has not been reported in the literature in individuals affected with SEMA3A-related conditions. Invitae Evidence Modeling of protein sequence and biophysical properties (such as structural, functional, and spatial information, amino acid conservation, physicochemical variation, residue mobility, and thermodynamic stability) indicates that this missense variant is not expected to disrupt SEMA3A protein function with a negative predictive value of 80%. In summary, the available evidence is currently insufficient to determine the role of this variant in disease. Therefore, it has been classified as a Variant of Uncertain Significance.

NM_006080.3(SEMA3A):c.1168G>C (p.Asp390His)

Gene: SEMA3A (semaphorin 3A; minus strand). Cytogenetic location: 7q21.11.
Variant type: single nucleotide variant.
Coding change: c.1168G>C on transcript NM_006080.3 (MANE Select); coding-DNA position 1168, G replaced by C.
Protein change: p.Asp390His; replaces aspartic acid 390 with histidine.
Molecular consequence: missense variant.
Genome position (GRCh38, 1-based): chr7:84,005,531, C>G on the plus strand (G>C on the coding strand, the complement: SEMA3A is on the minus strand). VCF-style: chr7-84005531-C-G. GRCh37 (hg19) VCF-style: chr7-83634847-C-G.
Other names: short protein forms D390H.
Identifiers: ClinVar variation 3952061 (VCV003952061.3).